The following is an entry in ClinVar:

NM_000260.4(MYO7A):c.1690+15C>T

Gene: MYO7A (myosin VIIA; plus strand). Cytogenetic location: 11q13.5.
Variant type: single nucleotide variant.
Coding change: c.1690+15C>T on transcript NM_000260.4 (MANE Select); 15 bases into the intron after coding-DNA position 1690, C replaced by T.
Molecular consequence: intron variant.
Genome position (GRCh38, 1-based): chr11:77,163,003, C>T. VCF-style: chr11-77163003-C-T. GRCh37 (hg19) VCF-style: chr11-76874049-C-T.
Other names: c.1657+15C>T (NM_001369365.1); c.1690+15C>T (NM_001127180.2).
Identifiers: ClinVar variation 505848 (VCV000505848.12), dbSNP rs781801012, ClinGen allele CA6197555.

ClinVar aggregate classification (germline): Likely benign. Review status: criteria provided, multiple submitters, no conflicts (2 of 4 stars). 3 submissions from 3 submitters: Likely benign (3). Last evaluated 2024-12-10.

Allele frequency attached by ClinVar (database versions not stated): gnomAD exomes 0.00002 and 0.00005; gnomAD 0.00003 and 0.00004; ExAC 0.00004; TOPMed 0.00004.

Submissions (3):

Labcorp Genetics (formerly Invitae), Labcorp
Classification: Likely benign. Last evaluated: 2024-12-10. Review status: criteria provided, single submitter. Criteria: Invitae Variant Classification Sherloc (09022015). Collection method: clinical testing. Allele origin: germline.

Blueprint Genetics
Classification: Likely benign. Last evaluated: 2024-11-19. Review status: criteria provided, single submitter. Criteria: ACMG Guidelines, 2015. Collection method: clinical testing. Allele origin: germline.

Laboratory for Molecular Medicine, Mass General Brigham Personalized Medicine
Classification: Likely benign. Last evaluated: 2017-05-31. Review status: criteria provided, single submitter. Criteria: LMM Criteria. Collection method: clinical testing. Allele origin: germline. Observed: 1 variant allele.
Comment: c.1690+15C>T in intron 14 of MYO7A: This variant is not expected to have clinica l significance because it is not located within the splice consensus sequence. I t has been identified in 1/9842 Ashkenazi Jewish and 11/111576 European chromoso mes by the Genome Aggregation Database (gnomAD ; dbSNP rs781801012).